The following is an entry in ClinVar:

ClinVar aggregate classification (germline): Uncertain significance (1 of 4 stars; one submission).

Conditions:
Inborn genetic diseases. Identifiers: MedGen C0950123, MeSH D030342.

Submission:

Ambry Genetics
Classification: Uncertain significance for Inborn genetic diseases. Last evaluated: 2026-08-25. Review status: criteria provided, single submitter. Criteria: Ambry Variant Classification Scheme 2023. Collection method: clinical testing. Allele origin: germline.
Comment: The p.G1442R variant (also known as c.4324G>A), located in coding exon 13 of the ASXL1 gene, results from a G to A substitution at nucleotide position 4324. The glycine at codon 1442 is replaced by arginine, an amino acid with dissimilar properties. This amino acid position is conserved. In addition, this alteration is predicted to be deleterious by in silico analysis. Based on the available evidence, the clinical significance of this variant remains unclear.

NM_015338.6(ASXL1):c.4324G>A (p.Gly1442Arg)

Gene: ASXL1 (ASXL transcriptional regulator 1; plus strand). Cytogenetic location: 20q11.21.
Variant type: single nucleotide variant.
Coding change: c.4324G>A on transcript NM_015338.6 (MANE Select); coding-DNA position 4324, G replaced by A.
Protein change: p.Gly1442Arg; replaces glycine 1442 with arginine.
Molecular consequence: missense variant.
Genome position (GRCh38, 1-based): chr20:32,437,036, G>A. VCF-style: chr20-32437036-G-A. GRCh37 (hg19) VCF-style: chr20-31024839-G-A.
Other names: c.4141G>A, p.Gly1381Arg (NM_001363734.1); short protein forms G1381R, G1442R.
Identifiers: ClinVar variation 3440117 (VCV003440117.2).